The following is an entry in ClinVar:

NM_003002.4(SDHD):c.97G>A (p.Ala33Thr)

Gene: SDHD (succinate dehydrogenase complex subunit D; plus strand). Cytogenetic location: 11q23.1.
Variant type: single nucleotide variant.
Coding change: c.97G>A on transcript NM_003002.4 (MANE Select); coding-DNA position 97, G replaced by A.
Protein change: p.Ala33Thr; replaces alanine 33 with threonine.
Molecular consequence: missense variant. On other transcripts: non-coding transcript variant (1), intron variant (1).
Genome position (GRCh38, 1-based): chr11:112,087,901, G>A. VCF-style: chr11-112087901-G-A. GRCh37 (hg19) VCF-style: chr11-111958625-G-A.
Other names: c.97G>A, p.Ala33Thr (NM_001276503.2, NM_001276506.2); c.52+942G>A (NM_001276504.2); short protein forms A33T.
Identifiers: ClinVar variation 1485461 (VCV001485461.8), dbSNP rs2135267174, ClinGen allele CA382616985.

ClinVar aggregate classification (germline): Uncertain significance (1 of 4 stars; one submission).

Conditions:
Pheochromocytoma. Also called: MAX-Related Hereditary Paraganglioma-Pheochromocytoma Syndrome. Identifiers: Orphanet 29072, MedGen C0031511, MONDO:0008233, OMIM 171300, HP:0002666.
Paragangliomas with sensorineural hearing loss. Identifiers: MedGen C1868633.
Carney-Stratakis syndrome. Also called: PARAGANGLIOMA AND GASTROINTESTINAL STROMAL TUMOR. Identifiers: Orphanet 97286, MedGen C1847319, MONDO:0011740, OMIM 606864.
Cowden syndrome 3 (CWS3). Identifiers: Orphanet 201, MedGen CN166604, MONDO:0014045.

Submission:

Labcorp Genetics (formerly Invitae), Labcorp
Classification: Uncertain significance for Carney-Stratakis syndrome; Paragangliomas with sensorineural hearing loss; Pheochromocytoma; Cowden syndrome 3. Last evaluated: 2021-03-07. Review status: criteria provided, single submitter. Criteria: Invitae Variant Classification Sherloc (09022015). Collection method: clinical testing. Allele origin: germline.
Comment: This sequence change replaces alanine with threonine at codon 33 of the SDHD protein (p.Ala33Thr). The alanine residue is moderately conserved and there is a small physicochemical difference between alanine and threonine. In summary, the available evidence is currently insufficient to determine the role of this variant in disease. Therefore, it has been classified as a Variant of Uncertain Significance. Advanced modeling of protein sequence and biophysical properties (such as structural, functional, and spatial information, amino acid conservation, physicochemical variation, residue mobility, and thermodynamic stability) performed at Invitae indicates that this missense variant is not expected to disrupt SDHD protein function. This variant has not been reported in the literature in individuals with SDHD-related conditions. This variant is not present in population databases (ExAC no frequency).